The following is an entry in ClinVar:

NM_001384474.1(LOXHD1):c.3854_3857dup (p.Ser1287fs)

Gene: LOXHD1 (lipoxygenase homology PLAT domains 1; minus strand). Cytogenetic location: 18q21.1.
Variant type: Duplication.
Coding change: c.3854_3857dup on transcript NM_001384474.1 (MANE Select); coding-DNA positions 3854 to 3857, 4 bases duplicated (ACGG; older notation c.3854_3857dupACGG).
Protein change: p.Ser1287fs; shifts the reading frame from serine 1287.
Molecular consequence: frameshift variant.
Genome position (GRCh38, 1-based): chr18:46,541,832-46,541,835, CCGT duplicated on the plus strand (ACGG on the coding strand, the reverse complement: LOXHD1 is on the minus strand); duplicating any 4 consecutive bases within chr18:46,541,832-46,541,836 gives the same sequence; the c. name uses the placement nearest the transcript's 3' end. VCF-style (leftmost placement, unchanged base first): chr18-46541831-C-CCCGT. GRCh37 (hg19) VCF-style: chr18-44121794-C-CCCGT.
Other names: c.521_524dup, p.Ser176fs (NM_001145472.3); c.233_236dup, p.Ser80fs (NM_001308013.2); c.3854_3857dup, p.Ser1287fs (NM_144612.7); short protein forms S176fs, S80fs, S1287fs.
Identifiers: ClinVar variation 1918355 (VCV001918355.5), dbSNP rs2511712134, ClinGen allele CA2576497170.

ClinVar aggregate classification (germline): Pathogenic (1 of 4 stars; one submission).

Submission:

Labcorp Genetics (formerly Invitae), Labcorp
Classification: Pathogenic. Last evaluated: 2022-03-09. Review status: criteria provided, single submitter. Criteria: Invitae Variant Classification Sherloc (09022015). Collection method: clinical testing. Allele origin: germline.
Comment: For these reasons, this variant has been classified as Pathogenic. This variant has not been reported in the literature in individuals affected with LOXHD1-related conditions. This variant is not present in population databases (gnomAD no frequency). This sequence change creates a premature translational stop signal (p.Ser1287Argfs*31) in the LOXHD1 gene. It is expected to result in an absent or disrupted protein product. Loss-of-function variants in LOXHD1 are known to be pathogenic (PMID: 19732867, 21465660, 25792669).

Literature cited by the submitters: PubMed 19732867; PubMed 21465660; PubMed 25792669.